The following is an entry in ClinVar:

NM_018297.4(NGLY1):c.1107G>A (p.Trp369Ter)

Gene: NGLY1 (N-glycanase 1; minus strand). Cytogenetic location: 3p24.2.
Variant type: single nucleotide variant.
Coding change: c.1107G>A on transcript NM_018297.4 (MANE Select); coding-DNA position 1107, G replaced by A.
Protein change: p.Trp369Ter; replaces tryptophan 369 with a stop codon.
Molecular consequence: nonsense. On other transcripts: intron variant (1).
Genome position (GRCh38, 1-based): chr3:25,736,046, C>T on the plus strand (G>A on the coding strand, the complement: NGLY1 is on the minus strand). VCF-style: chr3-25736046-C-T. GRCh37 (hg19) VCF-style: chr3-25777537-C-T.
Other names: c.981G>A, p.Trp327Ter (NM_001145294.2); c.1107G>A, p.Trp369Ter (NM_001145295.2); c.1095+263G>A (NM_001145293.2); short protein forms W327*, W369*.
Identifiers: ClinVar variation 2541213 (VCV002541213.5), dbSNP rs765889601, ClinGen allele CA2289263.

ClinVar aggregate classification (germline): Pathogenic. Review status: criteria provided, multiple submitters, no conflicts (2 of 4 stars). 2 submissions from 2 submitters: Pathogenic (2). Last evaluated 2024-04-26.

Conditions:
Inborn genetic diseases. Identifiers: MedGen C0950123, MeSH D030342.
Congenital disorder of deglycosylation (CDDG). Identifiers: MedGen C3808991, MONDO:0031376.

Allele frequency attached by ClinVar (database versions not stated): TOPMed below 0.00001; ExAC 0.00001; gnomAD exomes 0.00001.
gnomAD v4.1: 3 of 1,613,864 alleles (0.00019%); highest among the groups gnomAD compares: Non-Finnish European, 0.00025%; no homozygotes.

Submissions (2):

Labcorp Genetics (formerly Invitae), Labcorp
Classification: Pathogenic for Congenital disorder of deglycosylation. Last evaluated: 2024-04-26. Review status: criteria provided, single submitter. Criteria: Invitae Variant Classification Sherloc (09022015). Collection method: clinical testing. Allele origin: germline.
Comment: This sequence change creates a premature translational stop signal (p.Trp369*) in the NGLY1 gene. It is expected to result in an absent or disrupted protein product. Loss-of-function variants in NGLY1 are known to be pathogenic (PMID: 24651605). This variant is present in population databases (rs765889601, gnomAD 0.0009%). This variant has not been reported in the literature in individuals affected with NGLY1-related conditions. ClinVar contains an entry for this variant (Variation ID: 2541213). Algorithms developed to predict the effect of sequence changes on RNA splicing suggest that this variant may disrupt the consensus splice site. For these reasons, this variant has been classified as Pathogenic.

Ambry Genetics
Classification: Pathogenic for Inborn genetic diseases. Last evaluated: 2023-05-18. Review status: criteria provided, single submitter. Criteria: Ambry Variant Classification Scheme 2023. Collection method: clinical testing. Allele origin: germline.
Comment: The c.1107G>A (p.W369*) alteration, located in exon 7 (coding exon 7) of the NGLY1 gene, consists of a G to A substitution at nucleotide position 1107. This changes the amino acid from a tryptophan (W) to a stop codon at amino acid position 369. This alteration is expected to result in loss of function by premature protein truncation or nonsense-mediated mRNA decay. This allele was reported in one heterozygous individual in population-based cohorts in the Genome Aggregation Database (gnomAD). This alteration was detected in conjunction with another pathogenic alteration in NGLY1 in an individual with features of NGLY1-related congenital disorder of deglycosylation (Levy, 2022). Based on the available evidence, this alteration is classified as pathogenic.

Literature cited by the submitters: PubMed 24651605 (cited by Labcorp Genetics (formerly Invitae), Labcorp); PubMed 35243670 (cited by Ambry Genetics).